The following is an entry in ClinVar:

ClinVar aggregate classification (germline): Uncertain significance. Review status: criteria provided, multiple submitters, no conflicts (2 of 4 stars). 2 submissions from 2 submitters: Uncertain significance (2). Last evaluated 2021-09-01.

Allele frequency attached by ClinVar (database versions not stated): TOPMed 0.00001; gnomAD exomes below 0.00001; ExAC 0.00001.
gnomAD v4.1: 3 of 1,613,872 alleles (0.00019%); highest among the groups gnomAD compares: South Asian, 0.0022%; no homozygotes.

Submissions (2):

Labcorp Genetics (formerly Invitae), Labcorp
Classification: Uncertain significance. Last evaluated: 2021-09-01. Review status: criteria provided, single submitter. Criteria: Invitae Variant Classification Sherloc (09022015). Collection method: clinical testing. Allele origin: germline.
Comment: This sequence change replaces leucine with phenylalanine at codon 367 of the CDH23 protein (p.Leu367Phe). The leucine residue is highly conserved and there is a small physicochemical difference between leucine and phenylalanine. This variant is present in population databases (rs761039491, ExAC 0.006%). This variant has not been reported in the literature in individuals affected with CDH23-related conditions. Algorithms developed to predict the effect of missense changes on protein structure and function are either unavailable or do not agree on the potential impact of this missense change (SIFT: "Deleterious"; PolyPhen-2: "Not Available"; Align-GVGD: "Class C15"). In summary, the available evidence is currently insufficient to determine the role of this variant in disease. Therefore, it has been classified as a Variant of Uncertain Significance.

Breakthrough Genomics
Classification: Uncertain significance. Review status: criteria provided, single submitter. Criteria: ACMG Guidelines, 2015. Collection method: not provided. Allele origin: germline. Inheritance: Autosomal recessive inheritance. Affected: yes.

NM_022124.6(CDH23):c.1099C>T (p.Leu367Phe)

Gene: CDH23 (cadherin related 23; plus strand). Cytogenetic location: 10q22.1.
Variant type: single nucleotide variant.
Coding change: c.1099C>T on transcript NM_022124.6 (MANE Select); coding-DNA position 1099, C replaced by T.
Protein change: p.Leu367Phe; replaces leucine 367 with phenylalanine.
Molecular consequence: missense variant.
Genome position (GRCh38, 1-based): chr10:71,617,358, C>T. VCF-style: chr10-71617358-C-T. GRCh37 (hg19) VCF-style: chr10-73377115-C-T.
Other names: c.1099C>T, p.Leu367Phe (NM_001171930.2, NM_001171931.2, NM_001171932.2 and 1 more transcripts); short protein forms L367F.
Identifiers: ClinVar variation 1515741 (VCV001515741.6), dbSNP rs761039491, ClinGen allele CA5543637.
Genomic context (GRCh38, chr10:71,617,358, plus strand): 5'-GAGTTCAACAGCTCCGAGTACAGCGTGGCCATCACTGAGCTGGCACAGGTCGGCTTTGCC[C>T]TTCCACTCTTCATCCAGGTGGTGGACAAGGATGAGGTGAGTCCCTGGACACATGGCCCAT-3'
Protein context (NP_071407.4, residues 357-377): ITELAQVGFA[Leu367Phe]PLFIQVVDKD